The following is an entry in ClinVar:

ClinVar aggregate classification (germline): Likely benign. Review status: criteria provided, multiple submitters, no conflicts (2 of 4 stars). 6 submissions from 6 submitters: Likely benign (5). 1 of the submissions does not count toward it. Last evaluated 2025-12-01.

Conditions:
SEMA3E-related disorder. Also called: SEMA3E-related condition.
Hypogonadotropic hypogonadism 7 with or without anosmia (HH7). Also called: GNRHR-Related GnRH Deficiency; HYPOGONADOTROPIC HYPOGONADISM 7 WITHOUT ANOSMIA. Identifiers: Orphanet 432, MedGen C0342384, MONDO:0007794, OMIM 146110.
CHARGE syndrome (CHARGE). Also called: Hittner Hirsch Kreh syndrome; CHARGE ASSOCIATION--COLOBOMA, HEART ANOMALY, CHOANAL ATRESIA, RETARDATION, GENITAL AND EAR ANOMALIES; Coloboma, heart anomaly, choanal atresia, retardation, genital and ear anomalies; CHARGE association; Hall-Hittner syndrome. Identifiers: Orphanet 138, MedGen C0265354, MONDO:0008965.

Allele frequency attached by ClinVar (database versions not stated): ExAC 0.00008; gnomAD exomes 0.00008; ESP Exome Variant Server 0.00023; gnomAD 0.00030 and 0.00035; TOPMed 0.00043.
gnomAD v4.1: 102 of 1,613,074 alleles (0.0063%); highest among the groups gnomAD compares: African/African-American, 0.094%; 1 homozygote.

Submissions (6):

Labcorp Genetics (formerly Invitae), Labcorp
Classification: Likely benign for CHARGE syndrome. Last evaluated: 2025-12-01. Review status: criteria provided, single submitter. Criteria: Invitae Variant Classification Sherloc (09022015). Collection method: clinical testing. Allele origin: germline.

CeGaT Center for Human Genetics Tuebingen
Classification: Likely benign. Last evaluated: 2025-08-01. Review status: criteria provided, single submitter. Criteria: CeGaT Center For Human Genetics Tuebingen Variant Classification Criteria Version 2. Collection method: clinical testing. Allele origin: germline. Affected: yes. Observed: 1 variant allele.
Comment: SEMA3E: BP4, BP7

Blueprint Genetics
Classification: Likely benign. Last evaluated: 2022-06-29. Review status: criteria provided, single submitter. Criteria: ACMG Guidelines, 2015. Collection method: clinical testing. Allele origin: germline.

Fulgent Genetics
Classification: Likely benign for Hypogonadotropic hypogonadism 7 with or without anosmia; CHD7-related CHARGE syndrome. Last evaluated: 2021-07-28. Review status: criteria provided, single submitter. Criteria: ACMG Guidelines, 2015. Collection method: clinical testing. Allele origin: unknown.

GeneDx
Classification: Likely benign. Last evaluated: 2020-10-16. Review status: criteria provided, single submitter. Criteria: GeneDx Variant Classification Process June 2021. Collection method: clinical testing. Allele origin: germline. Affected: yes.

PreventionGenetics, part of Exact Sciences
Classification: Likely benign for SEMA3E-related condition. Last evaluated: 2021-07-01. Review status: no assertion criteria provided. Collection method: clinical testing. Allele origin: germline. Not counted in ClinVar's aggregate classification.
Comment: This variant is classified as likely benign based on ACMG/AMP sequence variant interpretation guidelines (Richards et al. 2015 PMID: 25741868, with internal and published modifications).

NM_012431.3(SEMA3E):c.15G>A (p.Gly5=)

Gene: SEMA3E (semaphorin 3E; minus strand). Cytogenetic location: 7q21.11.
Variant type: single nucleotide variant.
Coding change: c.15G>A on transcript NM_012431.3 (MANE Select); coding-DNA position 15, G replaced by A.
Protein change: p.Gly5=; no amino-acid change (glycine 5 retained).
Molecular consequence: synonymous variant.
Genome position (GRCh38, 1-based): chr7:83,648,528, C>T on the plus strand (G>A on the coding strand, the complement: SEMA3E is on the minus strand). VCF-style: chr7-83648528-C-T. GRCh37 (hg19) VCF-style: chr7-83277844-C-T.
Identifiers: ClinVar variation 1084086 (VCV001084086.24), dbSNP rs140094033, ClinGen allele CA4322496.